The following is an entry in ClinVar:

ClinVar aggregate classification (germline): Benign/Likely benign. Review status: criteria provided, multiple submitters, no conflicts (2 of 4 stars). 3 submissions from 3 submitters: Benign (1); Likely benign (1). 1 of the submissions does not count toward it. Last evaluated 2024-10-18.

Conditions:
NTRK1-related disorder. Also called: NTRK1-related condition.

Allele frequency attached by ClinVar (database versions not stated): ESP Exome Variant Server 0.00032; TOPMed 0.00036; gnomAD 0.00062; gnomAD exomes 0.00111; 1000 Genomes Project 0.00180; 1000 Genomes Project 30x 0.00187; ExAC 0.00305.

Submissions (3):

Blueprint Genetics
Classification: Likely benign. Last evaluated: 2024-10-18. Review status: criteria provided, single submitter. Criteria: ACMG Guidelines, 2015. Collection method: clinical testing. Allele origin: germline.

Mayo Clinic Laboratories, Mayo Clinic
Classification: Benign. Last evaluated: 2023-02-06. Review status: criteria provided, single submitter. Criteria: ACMG Guidelines, 2015. Collection method: clinical testing. Allele origin: germline. Observed: 1 variant allele.
Comment: BS1, BS2, BP4, BP7

PreventionGenetics, part of Exact Sciences
Classification: Benign for NTRK1-related condition. Last evaluated: 2019-08-06. Review status: no assertion criteria provided. Collection method: clinical testing. Allele origin: germline. Not counted in ClinVar's aggregate classification.
Comment: This variant is classified as benign based on ACMG/AMP sequence variant interpretation guidelines (Richards et al. 2015 PMID: 25741868, with internal and published modifications).

NM_002529.4(NTRK1):c.851-31dup

Gene: NTRK1 (neurotrophic receptor tyrosine kinase 1; plus strand). Cytogenetic location: 1q23.1.
Variant type: Duplication.
Coding change: c.851-31dup on transcript NM_002529.4 (MANE Select); 31 bases into the intron before coding-DNA position 851, one base duplicated (A; older notation c.851-31dupA).
Molecular consequence: intron variant.
Genome position (GRCh38, 1-based): chr1:156,873,602, A duplicated. VCF-style (leftmost placement, unchanged base first): chr1-156873601-G-GA. GRCh37 (hg19) VCF-style: chr1-156843393-G-GA.
Other names: p.?; c.761-31dup (NM_001007792.1); c.851-31dup (NM_001012331.2, NM_001012331.1).
Identifiers: ClinVar variation 3034984 (VCV003034984.4), dbSNP rs575572009, ClinGen allele CA1169127.